The following is an entry in ClinVar:

ClinVar aggregate classification (germline): Uncertain significance. Review status: criteria provided, multiple submitters, no conflicts (2 of 4 stars). 4 submissions from 4 submitters: Uncertain significance (4). Last evaluated 2026-03-26.

Conditions:
Inborn genetic diseases. Identifiers: MedGen C0950123, MeSH D030342.
Mucopolysaccharidosis type 7 (MPS7). Also called: GUSB DEFICIENCY; SLY SYNDROME; MPS VII; BETA-GLUCURONIDASE DEFICIENCY. Identifiers: Orphanet 584, MedGen C0085132, MONDO:0009662, OMIM 253220.

Allele frequency attached by ClinVar (database versions not stated): gnomAD 0.00001 and 0.00002; TOPMed 0.00001.
gnomAD v4.1: 56 of 1,590,690 alleles (0.0035%); highest among the groups gnomAD compares: Non-Finnish European, 0.0046%; no homozygotes.

Submissions (4):

Women's Health and Genetics/Laboratory Corporation of America, LabCorp
Classification: Uncertain significance. Last evaluated: 2026-03-26. Review status: criteria provided, single submitter. Criteria: LabCorp Variant Classification Summary - May 2015. Collection method: clinical testing. Allele origin: germline.
Comment: Variant summary: GUSB c.347G>A (p.Arg116His) results in a non-conservative amino acid change in the encoded protein sequence. Algorithms developed to predict the effect of missense changes on protein structure and function are either unavailable or do not agree on the potential impact of this missense change. The variant allele was found at a frequency of 2e-05 in 249922 control chromosomes. The available data on variant occurrences in the general population are insufficient to allow any conclusion about variant significance. To our knowledge, no occurrence of c.347G>A in individuals affected with GUSB-related conditions and no experimental evidence demonstrating its impact on protein function have been reported. ClinVar contains an entry for this variant (Variation ID: 909656). Based on the evidence outlined above, the variant was classified as uncertain significance.

Mayo Clinic Laboratories, Mayo Clinic
Classification: Uncertain significance. Last evaluated: 2024-12-20. Review status: criteria provided, single submitter. Criteria: ACMG Guidelines, 2015. Collection method: clinical testing. Allele origin: germline. Observed: 1 variant allele.
Comment: BP4_moderate, PM2_supporting

Ambry Genetics
Classification: Uncertain significance for Inborn genetic diseases. Last evaluated: 2024-12-02. Review status: criteria provided, single submitter. Criteria: Ambry Variant Classification Scheme 2023. Collection method: clinical testing. Allele origin: germline.

Illumina Laboratory Services, Illumina
Classification: Uncertain significance for Mucopolysaccharidosis type 7. Last evaluated: 2017-04-27. Review status: criteria provided, single submitter. Criteria: ICSL Variant Classification Criteria 13 December 2019. Collection method: clinical testing. Allele origin: germline.

NM_000181.4(GUSB):c.347G>A (p.Arg116His)

Gene: GUSB (glucuronidase beta; minus strand). Cytogenetic location: 7q11.21.
Variant type: single nucleotide variant.
Coding change: c.347G>A on transcript NM_000181.4 (MANE Select); coding-DNA position 347, G replaced by A.
Protein change: p.Arg116His; replaces arginine 116 with histidine.
Molecular consequence: missense variant. On other transcripts: 5 prime UTR variant (1), synonymous variant (1), non-coding transcript variant (1).
Genome position (GRCh38, 1-based): chr7:65,980,273, C>T on the plus strand (G>A on the coding strand, the complement: GUSB is on the minus strand). VCF-style: chr7-65980273-C-T. GRCh37 (hg19) VCF-style: chr7-65445260-C-T.
Other names: p.Arg116His; c.347G>A, p.Arg116His (NM_001284290.2); c.-39G>A (NM_001293104.2); c.18G>A, p.Ala6= (NM_001293105.2); short protein forms R116H.
Identifiers: ClinVar variation 909656 (VCV000909656.7), dbSNP rs538431094, ClinGen allele CA4276679.